The following is an entry in ClinVar:

NM_002887.4(RARS1):c.17C>T (p.Ser6Phe)

Gene: RARS1 (arginyl-tRNA synthetase 1; plus strand). Cytogenetic location: 5q34.
Variant type: single nucleotide variant.
Coding change: c.17C>T on transcript NM_002887.4 (MANE Select); coding-DNA position 17, C replaced by T.
Protein change: p.Ser6Phe; replaces serine 6 with phenylalanine.
Molecular consequence: missense variant.
Genome position (GRCh38, 1-based): chr5:168,486,515, C>T. VCF-style: chr5-168486515-C-T. GRCh37 (hg19) VCF-style: chr5-167913520-C-T.
Other names: short protein forms S6F.
Identifiers: ClinVar variation 1710603 (VCV001710603.2), dbSNP rs1473664328, ClinGen allele CA362077100.

ClinVar aggregate classification (germline): Uncertain significance (1 of 4 stars; one submission).

Allele frequency attached by ClinVar (database versions not stated): TOPMed below 0.00001; gnomAD 0.00001.
gnomAD v4.1: 9 of 1,559,032 alleles (0.00058%); highest among the groups gnomAD compares: South Asian, 0.0047%; no homozygotes.

Submission:

GeneDx
Classification: Uncertain significance. Last evaluated: 2022-04-15. Review status: criteria provided, single submitter. Criteria: GeneDx Variant Classification Process June 2021. Collection method: clinical testing. Allele origin: germline. Affected: yes.
Comment: Not observed at significant frequency in large population cohorts (gnomAD); In silico analysis supports that this missense variant does not alter protein structure/function; Has not been previously published as pathogenic or benign to our knowledge